The following is an entry in ClinVar:

NM_001370466.1(NOD2):c.188A>T (p.Asp63Val)

Gene: NOD2 (nucleotide binding oligomerization domain containing 2; plus strand). Cytogenetic location: 16q12.1.
Variant type: single nucleotide variant.
Coding change: c.188A>T on transcript NM_001370466.1 (MANE Select); coding-DNA position 188, A replaced by T.
Protein change: p.Asp63Val; replaces aspartic acid 63 with valine.
Molecular consequence: missense variant. On other transcripts: non-coding transcript variant (1).
Genome position (GRCh38, 1-based): chr16:50,699,683, A>T. VCF-style: chr16-50699683-A-T. GRCh37 (hg19) VCF-style: chr16-50733594-A-T.
Other names: c.188A>T, p.Asp63Val (NM_001293557.2); c.269A>T, p.Asp90Val (NM_022162.3); short protein forms D63V, D90V.
Identifiers: ClinVar variation 1441179 (VCV001441179.6), dbSNP rs747221457, ClinGen allele CA8051235.

ClinVar aggregate classification (germline): Uncertain significance (1 of 4 stars; one submission).

Conditions:
Regional enteritis. Also called: Enteritis, Granulomatous. Identifiers: MedGen C0678202, MeSH D003424.
Blau syndrome (BLAUS). Also called: GRANULOMATOSIS, FAMILIAL JUVENILE SYSTEMIC; GRANULOMATOSIS, FAMILIAL, BLAU TYPE; GRANULOMATOUS INFLAMMATORY ARTHRITIS, DERMATITIS, AND UVEITIS, FAMILIAL; JABS SYNDROME; ARTHROCUTANEOUVEAL GRANULOMATOSIS. Identifiers: Orphanet 90340, MedGen C5201146, MONDO:0008523, OMIM 186580.

Allele frequency attached by ClinVar (database versions not stated): gnomAD exomes below 0.00001 and 0.00001; ExAC 0.00001; TOPMed 0.00001.
gnomAD v4.1: 6 of 1,613,966 alleles (0.00037%); highest among the groups gnomAD compares: African/African-American, 0.0013%; no homozygotes.

Submission:

Labcorp Genetics (formerly Invitae), Labcorp
Classification: Uncertain significance for Regional enteritis; Blau syndrome. Last evaluated: 2024-06-06. Review status: criteria provided, single submitter. Criteria: Invitae Variant Classification Sherloc (09022015). Collection method: clinical testing. Allele origin: germline.
Comment: This sequence change replaces aspartic acid, which is acidic and polar, with valine, which is neutral and non-polar, at codon 90 of the NOD2 protein (p.Asp90Val). This variant is present in population databases (rs747221457, gnomAD 0.007%). This variant has not been reported in the literature in individuals affected with NOD2-related conditions. ClinVar contains an entry for this variant (Variation ID: 1441179). Advanced modeling of protein sequence and biophysical properties (such as structural, functional, and spatial information, amino acid conservation, physicochemical variation, residue mobility, and thermodynamic stability) performed at Invitae indicates that this missense variant is not expected to disrupt NOD2 protein function with a negative predictive value of 95%. In summary, the available evidence is currently insufficient to determine the role of this variant in disease. Therefore, it has been classified as a Variant of Uncertain Significance.